The following is an entry in ClinVar:

NM_000539.3(RHO):c.16G>A (p.Gly6Ser)

Gene: RHO (rhodopsin; plus strand). Cytogenetic location: 3q22.1.
Variant type: single nucleotide variant.
Coding change: c.16G>A on transcript NM_000539.3 (MANE Select); coding-DNA position 16, G replaced by A.
Protein change: p.Gly6Ser; replaces glycine 6 with serine.
Molecular consequence: missense variant.
Genome position (GRCh38, 1-based): chr3:129,528,749, G>A. VCF-style: chr3-129528749-G-A. GRCh37 (hg19) VCF-style: chr3-129247592-G-A.
Other names: short protein forms G6S.
Identifiers: ClinVar variation 866917 (VCV000866917.4), dbSNP rs145024369, ClinGen allele CA2607037.

ClinVar aggregate classification (germline): Uncertain significance. Review status: criteria provided, multiple submitters, no conflicts (2 of 4 stars). 2 submissions from 2 submitters: Uncertain significance (2). Last evaluated 2024-05-05.

Allele frequency attached by ClinVar (database versions not stated): gnomAD exomes below 0.00001; ExAC 0.00001; ESP Exome Variant Server 0.00008.

Submissions (2):

Labcorp Genetics (formerly Invitae), Labcorp
Classification: Uncertain significance. Last evaluated: 2024-05-05. Review status: criteria provided, single submitter. Criteria: Invitae Variant Classification Sherloc (09022015). Collection method: clinical testing. Allele origin: germline.
Comment: This sequence change replaces glycine, which is neutral and non-polar, with serine, which is neutral and polar, at codon 6 of the RHO protein (p.Gly6Ser). This variant is present in population databases (rs145024369, gnomAD 0.0009%). This variant has not been reported in the literature in individuals affected with RHO-related conditions. ClinVar contains an entry for this variant (Variation ID: 866917). Advanced modeling of protein sequence and biophysical properties (such as structural, functional, and spatial information, amino acid conservation, physicochemical variation, residue mobility, and thermodynamic stability) performed at Invitae indicates that this missense variant is expected to disrupt RHO protein function with a positive predictive value of 95%. In summary, the available evidence is currently insufficient to determine the role of this variant in disease. Therefore, it has been classified as a Variant of Uncertain Significance.

Blueprint Genetics
Classification: Uncertain significance. Last evaluated: 2021-03-02. Review status: criteria provided, single submitter. Criteria: ACMG Guidelines, 2015. Collection method: clinical testing. Allele origin: germline.